The following is an entry in ClinVar:

NM_000090.4(COL3A1):c.1103G>C (p.Arg368Thr)

Gene: COL3A1 (collagen type III alpha 1 chain; plus strand). Cytogenetic location: 2q32.2.
Variant type: single nucleotide variant.
Coding change: c.1103G>C on transcript NM_000090.4 (MANE Select); coding-DNA position 1103, G replaced by C.
Protein change: p.Arg368Thr; replaces arginine 368 with threonine.
Molecular consequence: missense variant.
Genome position (GRCh38, 1-based): chr2:188,993,413, G>C. VCF-style: chr2-188993413-G-C. GRCh37 (hg19) VCF-style: chr2-189858139-G-C.
Other names: short protein forms R368T.
Identifiers: ClinVar variation 2843510 (VCV002843510.3), dbSNP rs781216305, ClinGen allele CA349850937.

ClinVar aggregate classification (germline): Uncertain significance (1 of 4 stars; one submission).

Conditions:
Ehlers-Danlos syndrome, type 4 (EDSVASC). Also called: Ehlers-Danlos syndrome vascular type; Ehlers Danlos syndrome, ecchymotic type; Ehlers Danlos syndrome, arterial type; Ehlers Danlos syndrome, Sack-Barabas type; Ehlers-Danlos Syndrome Type IV. Identifiers: Orphanet 286, MedGen C0268338, MONDO:0017314, OMIM 130050.

Submission:

Labcorp Genetics (formerly Invitae), Labcorp
Classification: Uncertain significance for Ehlers-Danlos syndrome, type 4. Last evaluated: 2023-12-27. Review status: criteria provided, single submitter. Criteria: Invitae Variant Classification Sherloc (09022015). Collection method: clinical testing. Allele origin: germline.
Comment: This sequence change replaces arginine, which is basic and polar, with threonine, which is neutral and polar, at codon 368 of the COL3A1 protein (p.Arg368Thr). This variant is not present in population databases (gnomAD no frequency). This variant has not been reported in the literature in individuals affected with COL3A1-related conditions. Advanced modeling of protein sequence and biophysical properties (such as structural, functional, and spatial information, amino acid conservation, physicochemical variation, residue mobility, and thermodynamic stability) performed at Invitae indicates that this missense variant is not expected to disrupt COL3A1 protein function with a negative predictive value of 95%. In summary, the available evidence is currently insufficient to determine the role of this variant in disease. Therefore, it has been classified as a Variant of Uncertain Significance.